The following is an entry in ClinVar:

NM_025243.4(SLC19A3):c.*1800C>T

Gene: SLC19A3 (solute carrier family 19 member 3; minus strand). Cytogenetic location: 2q36.3.
Variant type: single nucleotide variant.
Coding change: c.*1800C>T on transcript NM_025243.4 (MANE Select); 1800 bases downstream of the stop codon, C replaced by T.
Molecular consequence: 3 prime UTR variant.
Genome position (GRCh38, 1-based): chr2:227,685,597, G>A on the plus strand (C>T on the coding strand, the complement: SLC19A3 is on the minus strand). VCF-style: chr2-227685597-G-A. GRCh37 (hg19) VCF-style: chr2-228550313-G-A.
Other names: c.*1800C>T (NM_001371411.1, NM_001371412.1, NM_001371413.1 and 1 more transcripts).
Identifiers: ClinVar variation 895165 (VCV000895165.5), dbSNP rs144735324, ClinGen allele CA66654543.

ClinVar aggregate classification (germline): Benign. Review status: criteria provided, multiple submitters, no conflicts (2 of 4 stars). 2 submissions from 2 submitters: Benign (2). Last evaluated 2017-04-27.

Conditions:
Biotin-responsive basal ganglia disease (BTBGD). Also called: Thiamine Transporter-2 Deficiency; THIAMINE METABOLISM DYSFUNCTION SYNDROME 2 (BIOTIN- AND THIAMINE-RESPONSIVE TYPE); Thiamine metabolism dysfunction syndrome type 2; thiamine-responsive encephalopathy; Thiamine metabolism dysfunction syndrome 2 (biotin- or thiamine-responsive encephalopathy type 2). Identifiers: Orphanet 199348, Orphanet 65284, MedGen C1843807, MONDO:0011841, OMIM 607483.

Allele frequency attached by ClinVar (database versions not stated): gnomAD 0.00062 and 0.00090; TOPMed 0.00134; 1000 Genomes Project 30x 0.00375; 1000 Genomes Project 0.00379.

Submissions (2):

Illumina Laboratory Services, Illumina
Classification: Benign for Biotin-responsive basal ganglia disease. Last evaluated: 2017-04-27. Review status: criteria provided, single submitter. Criteria: ICSL Variant Classification Criteria 13 December 2019. Collection method: clinical testing. Allele origin: germline.
Comment: This variant was observed as part of a predisposition screen in an ostensibly healthy population. A literature search was performed for the gene, cDNA change, and amino acid change (where applicable). No publications were found based on this search. Allele frequency data from public databases was too high to be consistent with this variant causing disease. Therefore, this variant is classified as benign.

Breakthrough Genomics
Classification: Benign. Review status: criteria provided, single submitter. Criteria: ACMG Guidelines, 2015. Collection method: not provided. Allele origin: germline. Inheritance: Autosomal recessive inheritance. Affected: yes.